The following is an entry in ClinVar:

NM_005529.7(HSPG2):c.5158A>T (p.Ser1720Cys)

Gene: HSPG2 (heparan sulfate proteoglycan 2; minus strand). Cytogenetic location: 1p36.12.
Variant type: single nucleotide variant.
Coding change: c.5158A>T on transcript NM_005529.7 (MANE Select); coding-DNA position 5158, A replaced by T.
Protein change: p.Ser1720Cys; replaces serine 1720 with cysteine.
Molecular consequence: missense variant.
Genome position (GRCh38, 1-based): chr1:21,859,859, T>A on the plus strand (A>T on the coding strand, the complement: HSPG2 is on the minus strand). VCF-style: chr1-21859859-T-A. GRCh37 (hg19) VCF-style: chr1-22186352-T-A.
Other names: c.5161A>T, p.Ser1721Cys (NM_001291860.2); short protein forms S1720C, S1721C.
Identifiers: ClinVar variation 4998662 (VCV004998662.1).

ClinVar aggregate classification (germline): Uncertain significance (1 of 4 stars; one submission).

Conditions:
HSPG2-related disorder. Also called: HSPG2-related condition; HSPG2-related disorders.

gnomAD v4.1: 1 of 1,611,518 alleles (0.000062%); highest among the groups gnomAD compares: Admixed American, 0.0017%; no homozygotes.

Submission:

PreventionGenetics, part of Exact Sciences
Classification: Uncertain significance for HSPG2-related condition. Last evaluated: 2024-12-12. Review status: criteria provided, single submitter. Criteria: ACMG Guidelines, 2015. Collection method: clinical testing. Allele origin: germline.
Comment: The HSPG2 c.5158A>T variant is predicted to result in the amino acid substitution p.Ser1720Cys. To our knowledge, this variant has not been reported in the literature or in a large population database (gnomAD), indicating this variant is rare. At this time, the clinical significance of this variant is uncertain due to the absence of conclusive functional and genetic evidence.